The following is an entry in ClinVar:

NM_001354604.2(MITF):c.440T>G (p.Leu147Ter)

Gene: MITF (melanocyte inducing transcription factor; plus strand). Cytogenetic location: 3p13.
Variant type: single nucleotide variant.
Coding change: c.440T>G on transcript NM_001354604.2 (MANE Select); coding-DNA position 440, T replaced by G.
Protein change: p.Leu147Ter; replaces leucine 147 with a stop codon.
Molecular consequence: nonsense. On other transcripts: intron variant (1).
Genome position (GRCh38, 1-based): chr3:69,937,907, T>G. VCF-style: chr3-69937907-T-G. GRCh37 (hg19) VCF-style: chr3-69987058-T-G.
Other names: c.119T>G, p.Leu40Ter (NM_000248.4, NM_001184968.2, NM_198158.3); c.284T>G, p.Leu95Ter (NM_001184967.2, NM_001354608.2); c.437T>G, p.Leu146Ter (NM_001354605.2, NM_001354606.2, NM_006722.3); c.389T>G, p.Leu130Ter (NM_001354607.2); c.440T>G, p.Leu147Ter (NM_198159.3); c.392T>G, p.Leu131Ter (NM_198177.3); c.93+26T>G (NM_198178.3); short protein forms L130*, L40*, L146*, L147*, L95*, L131*.
Identifiers: ClinVar variation 2947585 (VCV002947585.4), dbSNP rs2471585091, ClinGen allele CA353560439.
Genomic context (GRCh38, chr3:69,937,907, plus strand): 5'-CCAAGTACCACATACAGCAAGCCCAACGGCAGCAGGTAAAGCAGTACCTTTCTACCACTT[T>G]AGCAAATAAACATGCCAACCAAGTCCTGAGCTTGCCATGTCCAAACCAGCCTGGCGATCA-3'

ClinVar aggregate classification (germline): Pathogenic/Likely pathogenic. Review status: criteria provided, multiple submitters, no conflicts (2 of 4 stars). 2 submissions from 2 submitters: Pathogenic (1); Likely pathogenic (1). Last evaluated 2025-04-18.

Conditions:
Tietz syndrome (TADS). Also called: ALBINISM-DEAFNESS OF TIETZ; HYPOPIGMENTATION/DEAFNESS OF TIETZ; TIETZ ALBINISM-DEAFNESS SYNDROME. Identifiers: Orphanet 42665, MedGen C0391816, MONDO:0007077, OMIM 103500.
Waardenburg syndrome type 2A (WS2A). Also called: WAARDENBURG SYNDROME WITHOUT DYSTOPIA CANTHORUM. Identifiers: Orphanet 3440, MedGen C1860339, MONDO:0008671, OMIM 193510.
Melanoma, cutaneous malignant, susceptibility to, 8. Also called: MELANOMA AND RENAL CELL CARCINOMA, SUSCEPTIBILITY TO; Cutaneous malignant melanoma 8. Identifiers: Orphanet 293822, MedGen C3152204, MONDO:0013759, OMIM 614456.

Submissions (2):

GeneDx
Classification: Likely pathogenic. Last evaluated: 2025-04-18. Review status: criteria provided, single submitter. Criteria: GeneDx Variant Classification Process June 2021. Collection method: clinical testing. Allele origin: germline. Affected: yes.
Comment: Nonsense variant predicted to result in protein truncation or nonsense mediated decay in a gene for which loss of function is a known mechanism of disease; Not observed at significant frequency in large population cohorts (gnomAD); Has not been previously published as pathogenic or benign to our knowledge

Labcorp Genetics (formerly Invitae), Labcorp
Classification: Pathogenic for Melanoma, cutaneous malignant, susceptibility to, 8; Waardenburg syndrome type 2A; Tietz syndrome. Last evaluated: 2025-03-05. Review status: criteria provided, single submitter. Criteria: Invitae Variant Classification Sherloc (09022015). Collection method: clinical testing. Allele origin: germline.
Comment: This sequence change creates a premature translational stop signal (p.Leu40*) in the MITF gene. It is expected to result in an absent or disrupted protein product. Loss-of-function variants in MITF are known to be pathogenic (PMID: 8659547, 20127975). This variant is not present in population databases (gnomAD no frequency). This variant has not been reported in the literature in individuals affected with MITF-related conditions. ClinVar contains an entry for this variant (Variation ID: 2947585). For these reasons, this variant has been classified as Pathogenic.

Literature cited by the submitters: PubMed 8659547 (cited by Labcorp Genetics (formerly Invitae), Labcorp); PubMed 20127975 (cited by Labcorp Genetics (formerly Invitae), Labcorp).